The following is an entry in ClinVar:

NM_001875.5(CPS1):c.1648T>C (p.Phe550Leu)

Gene: CPS1 (carbamoyl-phosphate synthase 1; plus strand). Cytogenetic location: 2q34.
Variant type: single nucleotide variant.
Coding change: c.1648T>C on transcript NM_001875.5 (MANE Select); coding-DNA position 1648, T replaced by C.
Protein change: p.Phe550Leu; replaces phenylalanine 550 with leucine.
Molecular consequence: missense variant. On other transcripts: non-coding transcript variant (2).
Genome position (GRCh38, 1-based): chr2:210,600,653, T>C. VCF-style: chr2-210600653-T-C. GRCh37 (hg19) VCF-style: chr2-211465377-T-C.
Other names: c.1648T>C (LRG_336t1); c.1648T>C, p.Phe550Leu (NM_001122633.3, NM_001369257.1); c.1681T>C, p.Phe561Leu (NM_001369256.1); short protein forms F550L, F561L.
Identifiers: ClinVar variation 567896 (VCV000567896.11), dbSNP rs1016767752, ClinGen allele CA64756300.

ClinVar aggregate classification (germline): Uncertain significance. Review status: criteria provided, single submitter (1 of 4 stars). 2 submissions from 2 submitters: Uncertain significance (1). 1 of the submissions does not count toward it. Last evaluated 2018-06-29.

Conditions:
Congenital hyperammonemia, type I. Also called: Carbamoyl-phosphate synthase I deficiency; Carbamoyl phosphate synthetase 1 deficiency; Hyperammonemia due to carbamoyl phosphate synthetase 1 deficiency; CPS 1 deficiency; Carbamyl phosphate synthetase (CPS) deficiency; CPS I DEFICIENCY. Identifiers: Orphanet 147, MedGen C4082171, MONDO:0009376, OMIM 237300.

Allele frequency attached by ClinVar (database versions not stated): TOPMed 0.00001.

Submissions (2):

Labcorp Genetics (formerly Invitae), Labcorp
Classification: Uncertain significance for Congenital hyperammonemia, type I. Last evaluated: 2018-06-29. Review status: criteria provided, single submitter. Criteria: Invitae Variant Classification Sherloc (09022015). Collection method: clinical testing. Allele origin: germline.
Comment: Algorithms developed to predict the effect of missense changes on protein structure and function are either unavailable or do not agree on the potential impact of this missense change (SIFT: "Deleterious"; PolyPhen-2: "Probably Damaging"; Align-GVGD: "Class C0"). This variant has not been reported in the literature in individuals with CPS1-related disease. This variant is not present in population databases (ExAC no frequency). This sequence change replaces phenylalanine with leucine at codon 550 of the CPS1 protein (p.Phe550Leu). The phenylalanine residue is highly conserved and there is a small physicochemical difference between phenylalanine and leucine. In summary, the available evidence is currently insufficient to determine the role of this variant in disease. Therefore, it has been classified as a Variant of Uncertain Significance.

Natera, Inc.
Classification: Uncertain significance for Carbamoyl-phosphate synthase I deficiency. Last evaluated: 2021-08-20. Review status: no assertion criteria provided. Collection method: clinical testing. Allele origin: germline. Not counted in ClinVar's aggregate classification.